The following is an entry in ClinVar:

ClinVar aggregate classification (germline): Uncertain significance (1 of 4 stars; one submission).

Conditions:
Hereditary cancer-predisposing syndrome. Also called: Tumor predisposition; Neoplastic Syndromes, Hereditary; Hereditary Cancer Syndrome; Hereditary neoplastic syndrome. Identifiers: Orphanet 140162, MedGen C0027672, MeSH D009386, MONDO:0015356.

gnomAD v4.1: 1 of 1,614,064 alleles (0.000062%); highest among the groups gnomAD compares: Non-Finnish European, 0.000085%; no homozygotes.

Submission:

Ambry Genetics
Classification: Uncertain significance for Hereditary cancer-predisposing syndrome. Last evaluated: 2024-07-01. Review status: criteria provided, single submitter. Criteria: Ambry Variant Classification Scheme 2023. Collection method: clinical testing. Allele origin: germline.
Comment: The p.L998P variant (also known as c.2993T>C), located in coding exon 9 of the BRCA1 gene, results from a T to C substitution at nucleotide position 2993. The leucine at codon 998 is replaced by proline, an amino acid with similar properties. This amino acid position is well conserved in available vertebrate species. In addition, the in silico prediction for this alteration is inconclusive. Based on the available evidence, the clinical significance of this variant remains unclear.

NM_007294.4(BRCA1):c.2993T>C (p.Leu998Pro)

Gene: BRCA1 (BRCA1 DNA repair associated; minus strand). Cytogenetic location: 17q21.31.
Variant type: single nucleotide variant.
Coding change: c.2993T>C on transcript NM_007294.4 (MANE Select); coding-DNA position 2993, T replaced by C.
Protein change: p.Leu998Pro; replaces leucine 998 with proline.
Molecular consequence: missense variant. On other transcripts: intron variant (137).
Genome position (GRCh38, 1-based): chr17:43,092,538, A>G on the plus strand (T>C on the coding strand, the complement: BRCA1 is on the minus strand). VCF-style: chr17-43092538-A-G. GRCh37 (hg19) VCF-style: chr17-41244555-A-G.
Other names: c.2105T>C, p.Leu702Pro (NM_001407967.1, NM_001407966.1); c.2852T>C, p.Leu951Pro (NM_007297.4, NM_001407692.1, NM_001407694.1 and 29 more transcripts); c.2993T>C, p.Leu998Pro (NM_007300.4, NM_001407581.1, NM_001407582.1 and 30 more transcripts); c.647-1506T>C (NM_001408453.1, NM_001408458.1, NM_001408469.1 and 11 more transcripts); c.284-1506T>C (NM_001408512.1); c.407-1506T>C (NM_001408510.1); c.644-1506T>C (NM_001408470.1, NM_001408465.1, NM_001408463.1 and 3 more transcripts); c.587-1506T>C (NM_001408474.1, NM_001408476.1); and 41 more; short protein forms L830P, L871P, L887P, L928P, L997P, L702P, L870P, L886P.
Identifiers: ClinVar variation 3481770 (VCV003481770.1).